The following is an entry in ClinVar:

NM_000062.3(SERPING1):c.1373C>T (p.Ala458Val)

Gene: SERPING1 (serpin family G member 1; plus strand). Cytogenetic location: 11q12.1.
Variant type: single nucleotide variant.
Coding change: c.1373C>T on transcript NM_000062.3 (MANE Select); coding-DNA position 1373, C replaced by T.
Protein change: p.Ala458Val; replaces alanine 458 with valine.
Molecular consequence: missense variant.
Genome position (GRCh38, 1-based): chr11:57,614,451, C>T. VCF-style: chr11-57614451-C-T. GRCh37 (hg19) VCF-style: chr11-57381924-C-T.
Other names: c.1373C>T, p.Ala458Val (NM_001032295.2); short protein forms A458V.
Identifiers: ClinVar variation 690357 (VCV000690357.2), dbSNP rs1590831432, ClinGen allele CA380690700.

ClinVar aggregate classification (germline): Pathogenic (1 of 4 stars; one submission).

Conditions:
Hereditary angioedema type 1 (HAE1). Identifiers: Orphanet 100050, Orphanet 100051, Orphanet 91378, MedGen C2717906, MONDO:0015053, OMIM 106100.

Submission:

Department of Immunology and Histocompatibility, University of Thessaly
Classification: Pathogenic for Hereditary angioedema type 1. Review status: criteria provided, single submitter. Criteria: ACMG Guidelines, 2015. Collection method: clinical testing. Allele origin: germline. Affected: yes. Observed: 1 variant allele.
Comment: The c.1373C>T (p.Ala458Val) variant has been previously reported in association with hereditary angioedema in the literature (Siddique et al., 1992, Loules et al., 2018) and in HAE database. It has never been detected in approximately 120000 individuals of the Exome Aggregation Consortium (ExAC), indicating that it is not a common variant. Another variant, changing the same residue, c.1372G>A (p.Ala458Thr) has been previously reported in association with C1-INH HAE in the literature (Levy et al.1990). Taking all the above into account and according to ACMG Guidelines (Criteria: PS1, PM2, PM5, PP2, PP4) the variant is considered pathogenic.

Literature cited by the submitters: PubMed 29753808.